The following is an entry in ClinVar:

NM_001868.4(CPA1):c.584A>T (p.Lys195Met)

Gene: CPA1 (carboxypeptidase A1; plus strand). Cytogenetic location: 7q32.2.
Variant type: single nucleotide variant.
Coding change: c.584A>T on transcript NM_001868.4 (MANE Select); coding-DNA position 584, A replaced by T.
Protein change: p.Lys195Met; replaces lysine 195 with methionine.
Molecular consequence: missense variant.
Genome position (GRCh38, 1-based): chr7:130,383,491, A>T. VCF-style: chr7-130383491-A-T. GRCh37 (hg19) VCF-style: chr7-130023332-A-T.
Other names: short protein forms K195M.
Identifiers: ClinVar variation 4233083 (VCV004233083.1).

ClinVar aggregate classification (germline): Uncertain significance (1 of 4 stars; one submission).

Conditions:
Hereditary pancreatitis (PCTT). Also called: Hereditary chronic pancreatitis; PRSS1-Related Hereditary Pancreatitis. Identifiers: Orphanet 676, MedGen C0238339, MONDO:0008185, OMIM 167800.

gnomAD v4.1: 1 of 1,613,546 alleles (0.000062%); highest among the groups gnomAD compares: Non-Finnish European, 0.000085%; no homozygotes.

Submission:

Ambry Genetics
Classification: Uncertain significance for Hereditary pancreatitis. Last evaluated: 2025-07-03. Review status: criteria provided, single submitter. Criteria: Ambry Variant Classification Scheme 2023. Collection method: clinical testing. Allele origin: germline.
Comment: The p.K195M variant (also known as c.584A>T), located in coding exon 5 of the CPA1 gene, results from an A to T substitution at nucleotide position 584. The lysine at codon 195 is replaced by methionine, an amino acid with similar properties. This amino acid position is conserved. In addition, the in silico prediction for this alteration is inconclusive. Based on the available evidence, the clinical significance of this variant remains unclear.